The following is an entry in ClinVar:

NM_032199.3(ARID5B):c.2402T>C (p.Val801Ala)

Gene: ARID5B (AT-rich interaction domain 5B; plus strand). Cytogenetic location: 10q21.2.
Variant type: single nucleotide variant.
Coding change: c.2402T>C on transcript NM_032199.3 (MANE Select); coding-DNA position 2402, T replaced by C.
Protein change: p.Val801Ala; replaces valine 801 with alanine.
Molecular consequence: missense variant.
Genome position (GRCh38, 1-based): chr10:62,091,865, T>C. VCF-style: chr10-62091865-T-C. GRCh37 (hg19) VCF-style: chr10-63851624-T-C.
Other names: c.1673T>C, p.Val558Ala (NM_001244638.2); short protein forms V558A, V801A.
Identifiers: ClinVar variation 3044584 (VCV003044584.2), dbSNP rs144809623, ClinGen allele CA5515484.

ClinVar aggregate classification (germline): Benign (0 of 4 stars; one submission).

Conditions:
ARID5B-related disorder. Also called: ARID5B-related condition.

Allele frequency attached by ClinVar (database versions not stated): gnomAD exomes 0.00034; ExAC 0.00117; gnomAD 0.00320; TOPMed 0.00382; ESP Exome Variant Server 0.00438; 1000 Genomes Project 0.00459; 1000 Genomes Project 30x 0.00515.
gnomAD v4.1: 1,010 of 1,614,072 alleles (0.063%); highest among the groups gnomAD compares: African/African-American, 1.1%; 7 homozygotes.

Submission:

PreventionGenetics, part of Exact Sciences
Classification: Benign for ARID5B-related condition. Last evaluated: 2019-09-17. Review status: no assertion criteria provided. Collection method: clinical testing. Allele origin: germline.
Comment: This variant is classified as benign based on ACMG/AMP sequence variant interpretation guidelines (Richards et al. 2015 PMID: 25741868, with internal and published modifications).